The following is an entry in ClinVar:

ClinVar aggregate classification (germline): Likely benign. Review status: criteria provided, multiple submitters, no conflicts (2 of 4 stars). 2 submissions from 2 submitters: Likely benign (2). Last evaluated 2025-12-06.

Conditions:
Tuberous sclerosis 2 (TSC2). Identifiers: Orphanet 805, MedGen C1860707, MONDO:0013199, OMIM 613254.

gnomAD v4.1: 6 of 1,612,852 alleles (0.00037%); highest among the groups gnomAD compares: South Asian, 0.0011%; no homozygotes.

Submissions (2):

Labcorp Genetics (formerly Invitae), Labcorp
Classification: Likely benign for Tuberous sclerosis 2. Last evaluated: 2025-12-06. Review status: criteria provided, single submitter. Criteria: Invitae Variant Classification Sherloc (09022015). Collection method: clinical testing. Allele origin: germline.

Myriad Genetics, Inc.
Classification: Likely benign for Tuberous sclerosis 2. Last evaluated: 2025-05-27. Review status: criteria provided, single submitter. Criteria: Myriad Autosomal Dominant, Autosomal Recessive and X-Linked Classification Criteria (2023). Collection method: clinical testing. Allele origin: unknown.
Comment: This variant is considered likely benign. This variant is intronic and is not expected to impact mRNA splicing.

NM_000548.5(TSC2):c.2838-8C>T

Gene: TSC2 (TSC complex subunit 2; plus strand). Cytogenetic location: 16p13.3.
Variant type: single nucleotide variant.
Coding change: c.2838-8C>T on transcript NM_000548.5 (MANE Select); 8 bases into the intron before coding-DNA position 2838, C replaced by T.
Molecular consequence: intron variant.
Genome position (GRCh38, 1-based): chr16:2,077,590, C>T. VCF-style: chr16-2077590-C-T. GRCh37 (hg19) VCF-style: chr16-2127591-C-T.
Other names: c.2838-8C>T (NM_001114382.3); c.2837+1005C>T (NM_021055.3, NM_001370405.1, NM_001363528.2 and 2 more transcripts); c.2726+1005C>T (NM_001318827.2); c.2237+1005C>T (NM_001318831.2); c.2690+1005C>T (NM_001318829.2); c.2870+1005C>T (NM_001318832.2).
Identifiers: ClinVar variation 1118144 (VCV001118144.10), dbSNP rs1567490339, ClinGen allele CA2202022951.